The following is an entry in ClinVar:

ClinVar aggregate classification (germline): Uncertain significance (1 of 4 stars; one submission).

Conditions:
Chédiak-Higashi syndrome (CHS). Also called: Chediak-Higashi Syndrome. Identifiers: Orphanet 167, MedGen C0007965, MONDO:0008963, OMIM 214500.

Allele frequency attached by ClinVar (database versions not stated): gnomAD exomes below 0.00001.
gnomAD v4.1: 1 of 1,613,682 alleles (0.000062%); highest among the groups gnomAD compares: Non-Finnish European, 0.000085%; no homozygotes.

Submission:

Labcorp Genetics (formerly Invitae), Labcorp
Classification: Uncertain significance for Chédiak-Higashi syndrome. Last evaluated: 2023-11-27. Review status: criteria provided, single submitter. Criteria: Invitae Variant Classification Sherloc (09022015). Collection method: clinical testing. Allele origin: germline.
Comment: This sequence change replaces histidine, which is basic and polar, with arginine, which is basic and polar, at codon 2566 of the LYST protein (p.His2566Arg). This variant is not present in population databases (gnomAD no frequency). This variant has not been reported in the literature in individuals affected with LYST-related conditions. ClinVar contains an entry for this variant (Variation ID: 837221). Advanced modeling of protein sequence and biophysical properties (such as structural, functional, and spatial information, amino acid conservation, physicochemical variation, residue mobility, and thermodynamic stability) performed at Invitae indicates that this missense variant is not expected to disrupt LYST protein function with a negative predictive value of 80%. In summary, the available evidence is currently insufficient to determine the role of this variant in disease. Therefore, it has been classified as a Variant of Uncertain Significance.

NM_000081.4(LYST):c.7697A>G (p.His2566Arg)

Gene: LYST (lysosomal trafficking regulator; minus strand). Cytogenetic location: 1q42.3.
Variant type: single nucleotide variant.
Coding change: c.7697A>G on transcript NM_000081.4 (MANE Select); coding-DNA position 7697, A replaced by G.
Protein change: p.His2566Arg; replaces histidine 2566 with arginine.
Molecular consequence: missense variant.
Genome position (GRCh38, 1-based): chr1:235,751,293, T>C on the plus strand (A>G on the coding strand, the complement: LYST is on the minus strand). VCF-style: chr1-235751293-T-C. GRCh37 (hg19) VCF-style: chr1-235914593-T-C.
Other names: c.7697A>G, p.His2566Arg (NM_001301365.1); short protein forms H2566R.
Identifiers: ClinVar variation 837221 (VCV000837221.6), dbSNP rs2527713388, ClinGen allele CA344929604.
Genomic context (GRCh38, chr1:235,751,293, plus strand): 5'-ACTACTGCATGATGGGGAGCAGAAGGTGACTGGAGTGAATCTGTGAGGTTTTCAGAGTCA[T>C]GATTTGCGGTGGTCCTTATAAATTCCATAGCAGCCTGGAGAACTCTAAGCTGTAGTGCAA-3'
Protein context (NP_000072.2, residues 2556-2576): AMEFIRTTAN[His2566Arg]DSENLTDSLQ